The following is an entry in ClinVar:

ClinVar aggregate classification (germline): Uncertain significance (1 of 4 stars; one submission).

Allele frequency attached by ClinVar (database versions not stated): gnomAD exomes below 0.00001; ExAC 0.00001; gnomAD 0.00001; TOPMed 0.00003.
gnomAD v4.1: 7 of 1,614,012 alleles (0.00043%); highest among the groups gnomAD compares: Non-Finnish European, 0.00059%; no homozygotes.

Submission:

Labcorp Genetics (formerly Invitae), Labcorp
Classification: Uncertain significance. Last evaluated: 2024-01-24. Review status: criteria provided, single submitter. Criteria: Invitae Variant Classification Sherloc (09022015). Collection method: clinical testing. Allele origin: germline.
Comment: This sequence change replaces proline, which is neutral and non-polar, with serine, which is neutral and polar, at codon 126 of the SETBP1 protein (p.Pro126Ser). This variant is present in population databases (rs751875817, gnomAD 0.002%). This variant has not been reported in the literature in individuals affected with SETBP1-related conditions. An algorithm developed to predict the effect of missense changes on protein structure and function (PolyPhen-2) suggests that this variant is likely to be disruptive. In summary, the available evidence is currently insufficient to determine the role of this variant in disease. Therefore, it has been classified as a Variant of Uncertain Significance.

NM_015559.3(SETBP1):c.376C>T (p.Pro126Ser)

Gene: SETBP1 (SET binding protein 1; plus strand). Cytogenetic location: 18q12.3.
Variant type: single nucleotide variant.
Coding change: c.376C>T on transcript NM_015559.3 (MANE Select); coding-DNA position 376, C replaced by T.
Protein change: p.Pro126Ser; replaces proline 126 with serine.
Molecular consequence: missense variant.
Genome position (GRCh38, 1-based): chr18:44,701,722, C>T. VCF-style: chr18-44701722-C-T. GRCh37 (hg19) VCF-style: chr18-42281687-C-T.
Other names: c.376C>T, p.Pro126Ser (NM_001130110.2, NM_001379141.1, NM_001379142.1 and 1 more transcripts); short protein forms P126S.
Identifiers: ClinVar variation 3006252 (VCV003006252.3), dbSNP rs751875817, ClinGen allele CA8945365.